The following is an entry in ClinVar:

NM_005609.4(PYGM):c.1970-2A>T

Gene: PYGM (glycogen phosphorylase, muscle associated; minus strand). Cytogenetic location: 11q13.1.
Variant type: single nucleotide variant.
Coding change: c.1970-2A>T on transcript NM_005609.4 (MANE Select); the canonical splice acceptor site of the intron before coding-DNA position 1970, A replaced by T.
Molecular consequence: splice acceptor variant.
Genome position (GRCh38, 1-based): chr11:64,750,585, T>A on the plus strand (A>T on the coding strand, the complement: PYGM is on the minus strand). VCF-style: chr11-64750585-T-A. GRCh37 (hg19) VCF-style: chr11-64518057-T-A.
Other names: c.1706-2A>T (NM_001164716.1).
Identifiers: ClinVar variation 424981 (VCV000424981.47), dbSNP rs1064797157, ClinGen allele CA16621622.
Genomic context (GRCh38, chr11:64,750,585, plus strand): 5'-GCCTGAGGCTTCAGTGCCCGCAGTGGAGATCTGCTCAGAGAGGTCTGCAGCTGGGATCAC[T>A]GTGGGGTGGCAGCAGGGGGACAAGTCAACTCAGGGAAGACCCTCACACCAGCTGGGGACT-3'

ClinVar aggregate classification (germline): Pathogenic/Likely pathogenic. Review status: criteria provided, multiple submitters, no conflicts (2 of 4 stars). 3 submissions from 3 submitters: Pathogenic (1); Likely pathogenic (2). Last evaluated 2025-02-28.

Conditions:
Glycogen storage disease, type V (GSD5). Also called: MCARDLE DISEASE; MUSCLE GLYCOGEN PHOSPHORYLASE DEFICIENCY; MYOPHOSPHORYLASE DEFICIENCY; PYGM DEFICIENCY; McArdle type glycogen storage disease. Identifiers: Orphanet 368, MedGen C0017924, MONDO:0009293, OMIM 232600.

Submissions (3):

Mayo Clinic Laboratories, Mayo Clinic
Classification: Likely pathogenic. Last evaluated: 2025-02-28. Review status: criteria provided, single submitter. Criteria: ACMG Guidelines, 2015. Collection method: clinical testing. Allele origin: germline. Observed: 1 variant allele.
Comment: PM2_supporting, PVS1

Revvity Omics, Revvity
Classification: Pathogenic for Glycogen storage disease, type V. Last evaluated: 2020-02-20. Review status: criteria provided, single submitter. Criteria: ACMG Guidelines, 2015. Collection method: clinical testing. Allele origin: germline.

CeGaT Center for Human Genetics Tuebingen
Classification: Likely pathogenic. Last evaluated: 2016-05-01. Review status: criteria provided, single submitter. Criteria: CeGaT Center For Human Genetics Tuebingen Variant Classification Criteria Version 2. Collection method: clinical testing. Allele origin: germline. Affected: yes. Observed: 1 variant allele.